The following is an entry in ClinVar:

ClinVar aggregate classification (germline): Conflicting classifications of pathogenicity. Review status: criteria provided, conflicting classifications (1 of 4 stars). 2 submissions from 2 submitters: Uncertain significance (1); Likely benign (1). Last evaluated 2026-04-06.

Conditions:
IMPDH1-related disorder. Also called: IMPDH1-related disorders; IMPDH1-related condition.

Allele frequency attached by ClinVar (database versions not stated): gnomAD 0.00005 and 0.00006; TOPMed 0.00005; gnomAD exomes 0.00001 and 0.00002; ExAC 0.00003; ESP Exome Variant Server 0.00008.
gnomAD v4.1: 27 of 1,610,558 alleles (0.0017%); highest among the groups gnomAD compares: African/African-American, 0.011%; no homozygotes.

Submissions (2):

PreventionGenetics, part of Exact Sciences
Classification: Uncertain significance for IMPDH1-related condition. Last evaluated: 2026-04-06. Review status: criteria provided, single submitter. Criteria: ACMG Guidelines, 2015. Collection method: clinical testing. Allele origin: germline.
Comment: The IMPDH1 c.580-5C>T variant is predicted to interfere with splicing. To our knowledge, this variant has not been reported in the literature. This variant is predicted to alter splicing based on available splicing prediction programs (SpliceAI, Jaganathan et al. 2019. PubMed ID: 30661751). However, the use of computer prediction programs is not equivalent to functional evidence. This variant is reported in 0.0088% of alleles in individuals of African descent in gnomAD. At this time, the clinical significance of this variant is uncertain due to the absence of conclusive functional and genetic evidence.

Labcorp Genetics (formerly Invitae), Labcorp
Classification: Likely benign. Last evaluated: 2022-11-29. Review status: criteria provided, single submitter. Criteria: Invitae Variant Classification Sherloc (09022015). Collection method: clinical testing. Allele origin: germline.

NM_000883.4(IMPDH1):c.580-5C>T

Gene: IMPDH1 (inosine monophosphate dehydrogenase 1; minus strand). Cytogenetic location: 7q32.1.
Variant type: single nucleotide variant.
Coding change: c.580-5C>T on transcript NM_000883.4 (MANE Select); 5 bases into the intron before coding-DNA position 580, C replaced by T.
Molecular consequence: intron variant.
Genome position (GRCh38, 1-based): chr7:128,400,544, G>A on the plus strand (C>T on the coding strand, the complement: IMPDH1 is on the minus strand). VCF-style: chr7-128400544-G-A. GRCh37 (hg19) VCF-style: chr7-128040598-G-A.
Other names: c.580-5C>T (NM_000883.3); c.373-5C>T (NM_001304521.2); c.472-5C>T (NM_183243.3); c.550-5C>T (NM_001102605.2); c.481-5C>T (NM_001142576.2); c.250-5C>T (NM_001142575.2); c.310-5C>T (NM_001142574.2); c.325-5C>T (NM_001142573.2).
Identifiers: ClinVar variation 1116825 (VCV001116825.10), dbSNP rs369196946, ClinGen allele CA4471099.
Genomic context (GRCh38, chr7:128,400,544, plus strand): 5'-ACAGTGTGCGAGGGGCTCAGCACCACAGGGTCCGTGATGAAGCCCTGTTCAAACTTCTGC[G>A]GGCAGAGATGGGGGAGGAAAAGGCTGGAAGAAAGCCAGGGATGATGTCCAGGCTGGCCAC-3'